The following is an entry in ClinVar:

ClinVar aggregate classification (germline): Benign. Review status: criteria provided, multiple submitters, no conflicts (2 of 4 stars). 5 submissions from 5 submitters: Benign (4). 1 of the submissions does not count toward it. Last evaluated 2026-02-02.

Conditions:
Growth and developmental delay-hypotonia-vision impairment-lactic acidosis syndrome. Also called: Combined oxidative phosphorylation deficiency 18. Identifiers: Orphanet 391348, MedGen C3810001, MONDO:0014261, OMIM 615578.

Allele frequency attached by ClinVar (database versions not stated): gnomAD 0.46610 and 0.46906; ESP Exome Variant Server 0.46686; TOPMed 0.47357; ExAC 0.48192; gnomAD exomes 0.48459 and 0.48471; 1000 Genomes Project 30x 0.48907; 1000 Genomes Project 0.49441.

Submissions (5):

Labcorp Genetics (formerly Invitae), Labcorp
Classification: Benign. Last evaluated: 2026-02-02. Review status: criteria provided, single submitter. Criteria: Invitae Variant Classification Sherloc (09022015). Collection method: clinical testing. Allele origin: germline.

Genome-Nilou Lab
Classification: Benign for Growth and developmental delay-hypotonia-vision impairment-lactic acidosis syndrome. Last evaluated: 2021-07-15. Review status: criteria provided, single submitter. Criteria: ACMG Guidelines, 2015. Collection method: clinical testing. Allele origin: germline. Affected: no.

GeneDx
Classification: Benign. Last evaluated: 2015-12-02. Review status: criteria provided, single submitter. Criteria: GeneDx Variant Classification (06012015). Collection method: clinical testing. Allele origin: germline. Affected: yes.
Comment: This variant is considered likely benign or benign based on one or more of the following criteria: it is a conservative change, it occurs at a poorly conserved position in the protein, it is predicted to be benign by multiple in silico algorithms, and/or has population frequency not consistent with disease.

Breakthrough Genomics
Classification: Benign. Review status: criteria provided, single submitter. Criteria: ACMG Guidelines, 2015. Collection method: not provided. Allele origin: germline. Inheritance: Autosomal recessive inheritance. Affected: yes.

Mayo Clinic Laboratories, Mayo Clinic
Classification: Benign. Last evaluated: 2016-02-19. Review status: no assertion criteria provided. Collection method: clinical testing. Allele origin: unknown. Not counted in ClinVar's aggregate classification.

NM_213649.2(SFXN4):c.258A>G (p.Gln86=)

Gene: SFXN4 (sideroflexin 4; minus strand). Cytogenetic location: 10q26.11.
Variant type: single nucleotide variant.
Coding change: c.258A>G on transcript NM_213649.2 (MANE Select); coding-DNA position 258, A replaced by G.
Protein change: p.Gln86=; no amino-acid change (glutamine 86 retained).
Molecular consequence: synonymous variant.
Genome position (GRCh38, 1-based): chr10:119,161,076, T>C on the plus strand (A>G on the coding strand, the complement: SFXN4 is on the minus strand). VCF-style: chr10-119161076-T-C. GRCh37 (hg19) VCF-style: chr10-120920588-T-C.
Identifiers: ClinVar variation 380006 (VCV000380006.15), dbSNP rs10749291, ClinGen allele CA5714645.